The following is an entry in ClinVar:

ClinVar aggregate classification (germline): Benign (1 of 4 stars; one submission).

Conditions:
3M syndrome 1. Also called: 3-M Syndrome, CUL7-Related. Identifiers: Orphanet 2616, MedGen C2678312, MONDO:0010117, OMIM 273750.

Allele frequency attached by ClinVar (database versions not stated): gnomAD 0.00037 and 0.00056; gnomAD exomes 0.00155 and 0.00036; ExAC 0.00047; TOPMed 0.00079; 1000 Genomes Project 30x 0.00328; 1000 Genomes Project 0.00379.

Submission:

Illumina Laboratory Services, Illumina
Classification: Benign for 3M syndrome 1. Last evaluated: 2018-01-12. Review status: criteria provided, single submitter. Criteria: ICSL Variant Classification Criteria 13 December 2019. Collection method: clinical testing. Allele origin: germline.
Comment: This variant was observed in the ICSL laboratory as part of a predisposition screen in an ostensibly healthy population. It had not been previously curated by ICSL or reported in the Human Gene Mutation Database (HGMD: prior to June 1st, 2018), and was therefore a candidate for classification through an automated scoring system. Utilizing variant allele frequency, disease prevalence and penetrance estimates, and inheritance mode, an automated score was calculated to assess if this variant is too frequent to cause the disease. Based on the score and internal cut-off values, a variant classified as benign is not then subjected to further curation. The score for this variant resulted in a classification of benign for this disease.

NM_014780.4(CUL7):c.-269A>G

Genes: CUL7 (cullin 7; minus strand), LOC129996487 (ATAC-STARR-seq lymphoblastoid silent region 17217; plus strand). Cytogenetic location: 6p21.1.
Variant type: single nucleotide variant.
Coding change: c.-269A>G on transcript NM_014780.4; 269 bases upstream of the start codon, A replaced by G.
Genome position (GRCh38, 1-based): chr6:43,053,882, T>C on the plus strand (A>G on the coding strand, the complement: CUL7 is on the minus strand). VCF-style: chr6-43053882-T-C. GRCh37 (hg19) VCF-style: chr6-43021620-T-C.
Identifiers: ClinVar variation 356862 (VCV000356862.7), dbSNP rs377101095, ClinGen allele CA3814498.